The following is an entry in ClinVar:

NM_001572.5(IRF7):c.847+3G>A

Gene: IRF7 (interferon regulatory factor 7; minus strand). Cytogenetic location: 11p15.5.
Variant type: single nucleotide variant.
Coding change: c.847+3G>A on transcript NM_001572.5 (MANE Select); 3 bases into the intron after coding-DNA position 847, G replaced by A.
Molecular consequence: intron variant.
Genome position (GRCh38, 1-based): chr11:613,782, C>T on the plus strand (G>A on the coding strand, the complement: IRF7 is on the minus strand). VCF-style: chr11-613782-C-T. GRCh37 (hg19) VCF-style: chr11-613782-C-T.
Other names: c.760+3G>A (NM_004029.4); c.886+3G>A (NM_004031.4).
Identifiers: ClinVar variation 1925012 (VCV001925012.5), dbSNP rs771448576, ClinGen allele CA5783719.

ClinVar aggregate classification (germline): Uncertain significance (1 of 4 stars; one submission).

Conditions:
Immunodeficiency 39 (IMD39). Identifiers: Orphanet 574918, MedGen C4225358, MONDO:0014597, OMIM 616345.

Allele frequency attached by ClinVar (database versions not stated): TOPMed below 0.00001; gnomAD exomes 0.00002; ExAC 0.00013.
gnomAD v4.1: 11 of 1,552,242 alleles (0.00071%); highest among the groups gnomAD compares: South Asian, 0.013%; no homozygotes.

Submission:

Labcorp Genetics (formerly Invitae), Labcorp
Classification: Uncertain significance for Immunodeficiency 39. Last evaluated: 2024-05-06. Review status: criteria provided, single submitter. Criteria: Invitae Variant Classification Sherloc (09022015). Collection method: clinical testing. Allele origin: germline.
Comment: This sequence change falls in intron 6 of the IRF7 gene. It does not directly change the encoded amino acid sequence of the IRF7 protein. It affects a nucleotide within the consensus splice site. This variant is present in population databases (rs771448576, gnomAD 0.02%). This variant has not been reported in the literature in individuals affected with IRF7-related conditions. ClinVar contains an entry for this variant (Variation ID: 1925012). Variants that disrupt the consensus splice site are a relatively common cause of aberrant splicing (PMID: 17576681, 9536098). Algorithms developed to predict the effect of sequence changes on RNA splicing suggest that this variant is not likely to affect RNA splicing. In summary, the available evidence is currently insufficient to determine the role of this variant in disease. Therefore, it has been classified as a Variant of Uncertain Significance.

Literature cited by the submitters: PubMed 17576681; PubMed 9536098.